The following is an entry in ClinVar:

NM_006005.3(WFS1):c.2115G>T (p.Lys705Asn)

Gene: WFS1 (wolframin ER transmembrane glycoprotein; plus strand). Cytogenetic location: 4p16.1.
Variant type: single nucleotide variant.
Coding change: c.2115G>T on transcript NM_006005.3 (MANE Select); coding-DNA position 2115, G replaced by T.
Protein change: p.Lys705Asn; replaces lysine 705 with asparagine.
Molecular consequence: missense variant.
Genome position (GRCh38, 1-based): chr4:6,301,910, G>T. VCF-style: chr4-6301910-G-T. GRCh37 (hg19) VCF-style: chr4-6303637-G-T.
Other names: c.2115G>T, p.Lys705Asn (NM_001145853.1); short protein forms K705N.
Identifiers: ClinVar variation 3637013 (VCV003637013.2).
Genomic context (GRCh38, chr4:6,301,910, plus strand): 5'-CACCCAGATCCTCTGCAGCCACCTGGAGGGCCACAGGGTCACGTGGACCGGCCGCTTCAA[G>T]TACGTCCGCGTGACTGACATCGACAACAGCGCCGAGTCTGCCATCAACATGCTCCCGTTC-3'
Protein context (NP_005996.2, residues 695-715): GHRVTWTGRF[Lys705Asn]YVRVTDIDNS

ClinVar aggregate classification (germline): Pathogenic (1 of 4 stars; one submission).

Submission:

Labcorp Genetics (formerly Invitae), Labcorp
Classification: Pathogenic. Last evaluated: 2024-08-16. Review status: criteria provided, single submitter. Criteria: Invitae Variant Classification Sherloc (09022015). Collection method: clinical testing. Allele origin: germline.
Comment: This sequence change replaces lysine, which is basic and polar, with asparagine, which is neutral and polar, at codon 705 of the WFS1 protein (p.Lys705Asn). This variant is not present in population databases (gnomAD no frequency). This missense change has been observed in individual(s) with autosomal dominant low-frequency deafness (PMID: 12650912). It has also been observed to segregate with disease in related individuals. Invitae Evidence Modeling of protein sequence and biophysical properties (such as structural, functional, and spatial information, amino acid conservation, physicochemical variation, residue mobility, and thermodynamic stability) has been performed for this missense variant. However, the output from this modeling did not meet the statistical confidence thresholds required to predict the impact of this variant on WFS1 protein function. For these reasons, this variant has been classified as Pathogenic.

Literature cited by the submitters: PubMed 12650912.